The following is an entry in ClinVar:

NM_001114753.3(ENG):c.773_776delinsGCAGGGTC (p.Tyr258fs)

Gene: ENG (endoglin; minus strand). Cytogenetic location: 9q34.11.
Variant type: Indel.
Coding change: c.773_776delinsGCAGGGTC on transcript NM_001114753.3 (MANE Select); coding-DNA positions 773 to 776, ACGT replaced by GCAGGGTC.
Protein change: p.Tyr258fs; shifts the reading frame from tyrosine 258.
Molecular consequence: frameshift variant.
Genome position (GRCh38, 1-based): chr9:127,825,271-127,825,274, ACGT replaced by GACCCTGC on the plus strand (ACGT replaced by GCAGGGTC on the coding strand, the reverse complement: ENG is on the minus strand). VCF-style: chr9-127825271-ACGT-GACCCTGC. GRCh37 (hg19) VCF-style: chr9-130587550-ACGT-GACCCTGC.
Other names: c.773_776delinsGCAGGGTC, p.Tyr258fs (NM_000118.4, NM_001406715.1); c.227_230delinsGCAGGGTC, p.Tyr76fs (NM_001278138.2); short protein forms Y258fs, Y76fs.
Identifiers: ClinVar variation 2767458 (VCV002767458.3), dbSNP rs2539074005, ClinGen allele CA2695211292.

ClinVar aggregate classification (germline): Pathogenic (1 of 4 stars; one submission).

Conditions:
Hereditary hemorrhagic telangiectasia (HHT). Also called: ORW DISEASE; Osler Weber Rendu syndrome; OSLER-RENDU-WEBER DISEASE; Osler hemorrhagic telangiectasia syndrome. Identifiers: Orphanet 774, MedGen C0039445, MONDO:0019180. Disease mechanism: loss of function.

Submission:

Labcorp Genetics (formerly Invitae), Labcorp
Classification: Pathogenic for Hereditary hemorrhagic telangiectasia. Last evaluated: 2023-10-10. Review status: criteria provided, single submitter. Criteria: Invitae Variant Classification Sherloc (09022015). Collection method: clinical testing. Allele origin: germline.
Comment: This sequence change creates a premature translational stop signal (p.Tyr258Cysfs*77) in the ENG gene. It is expected to result in an absent or disrupted protein product. Loss-of-function variants in ENG are known to be pathogenic (PMID: 15879500). Information on the frequency of this variant in the gnomAD database is not available, as this variant may be reported differently in the database. This premature translational stop signal has been observed in individual(s) with hereditary hemorrhagic telangiectasia (PMID: 21158752). This variant is also known as c.773_4delACGTinsGCAGGGTC (p.Tyr258fs). For these reasons, this variant has been classified as Pathogenic.

Literature cited by the submitters: PubMed 15879500; PubMed 21158752.